The following is an entry in ClinVar:

ClinVar aggregate classification (germline): Likely benign. Review status: criteria provided, multiple submitters, no conflicts (2 of 4 stars). 2 submissions from 2 submitters: Likely benign (2). Last evaluated 2025-08-18.

Conditions:
Bardet-Biedl syndrome (BBS). Identifiers: Orphanet 110, MedGen C0752166, MONDO:0015229.
BBS4-related disorder. Also called: BBS4-related condition.

Allele frequency attached by ClinVar (database versions not stated): gnomAD exomes below 0.00001; gnomAD 0.00001; TOPMed 0.00001.
gnomAD v4.1: 3 of 1,612,320 alleles (0.00019%); highest among the groups gnomAD compares: Non-Finnish European, 0.00025%; no homozygotes.

Submissions (2):

PreventionGenetics, part of Exact Sciences
Classification: Likely benign for BBS4-related condition. Last evaluated: 2025-08-18. Review status: criteria provided, single submitter. Criteria: ACMG Guidelines, 2015. Collection method: clinical testing. Allele origin: germline.
Comment: This variant is classified as likely benign based on ACMG/AMP sequence variant interpretation guidelines (Richards et al. 2015 PMID: 25741868, with internal and published modifications).

Labcorp Genetics (formerly Invitae), Labcorp
Classification: Likely benign for Bardet-Biedl syndrome. Last evaluated: 2021-08-04. Review status: criteria provided, single submitter. Criteria: Invitae Variant Classification Sherloc (09022015). Collection method: clinical testing. Allele origin: germline.

NM_033028.5(BBS4):c.624A>G (p.Leu208=)

Gene: BBS4 (Bardet-Biedl syndrome 4; plus strand). Cytogenetic location: 15q24.1.
Variant type: single nucleotide variant.
Coding change: c.624A>G on transcript NM_033028.5 (MANE Select); coding-DNA position 624, A replaced by G.
Protein change: p.Leu208=; no amino-acid change (leucine 208 retained).
Molecular consequence: synonymous variant. On other transcripts: non-coding transcript variant (2).
Genome position (GRCh38, 1-based): chr15:72,727,976, A>G. VCF-style: chr15-72727976-A-G. GRCh37 (hg19) VCF-style: chr15-73020317-A-G.
Other names: c.108A>G, p.Leu36= (NM_001252678.2); c.624A>G, p.Leu208= (NM_001320665.2); c.624A>G (NM_033028.4).
Identifiers: ClinVar variation 1633066 (VCV001633066.9), dbSNP rs1318415066, ClinGen allele CA491116859.